The following is an entry in ClinVar:

ClinVar aggregate classification (germline): Uncertain significance (1 of 4 stars; one submission).

gnomAD v4.1: 1 of 1,613,952 alleles (0.000062%); highest among the groups gnomAD compares: African/African-American, 0.0013%; no homozygotes.

Submission:

Ambry Genetics
Classification: Uncertain significance. Last evaluated: 2026-07-11. Review status: criteria provided, single submitter. Criteria: Ambry Variant Classification Scheme 2023. Collection method: clinical testing. Allele origin: germline.
Comment: The p.N160K variant (also known as c.480T>A), located in coding exon 4 of the SRP72 gene, results from a T to A substitution at nucleotide position 480. The asparagine at codon 160 is replaced by lysine, an amino acid with similar properties. This amino acid position is conserved. In addition, this alteration is predicted to be tolerated by in silico analysis. Based on the available evidence, the clinical significance of this variant remains unclear.

NM_006947.4(SRP72):c.480T>A (p.Asn160Lys)

Gene: SRP72 (signal recognition particle 72; plus strand). Cytogenetic location: 4q12.
Variant type: single nucleotide variant.
Coding change: c.480T>A on transcript NM_006947.4 (MANE Select); coding-DNA position 480, T replaced by A.
Protein change: p.Asn160Lys; replaces asparagine 160 with lysine.
Molecular consequence: missense variant. On other transcripts: non-coding transcript variant (1).
Genome position (GRCh38, 1-based): chr4:56,474,179, T>A. VCF-style: chr4-56474179-T-A. GRCh37 (hg19) VCF-style: chr4-57340345-T-A.
Other names: c.480T>A, p.Asn160Lys (NM_001267722.2); short protein forms N160K.
Identifiers: ClinVar variation 5030230 (VCV005030230.1).